The following is an entry in ClinVar:

NM_000021.4(PSEN1):c.*4113G>A

Gene: PSEN1 (presenilin 1; plus strand). Cytogenetic location: 14q24.2.
Variant type: single nucleotide variant.
Coding change: c.*4113G>A on transcript NM_000021.4 (MANE Select); 4113 bases downstream of the stop codon, G replaced by A.
Molecular consequence: 3 prime UTR variant.
Genome position (GRCh38, 1-based): chr14:73,223,402, G>A. VCF-style: chr14-73223402-G-A. GRCh37 (hg19) VCF-style: chr14-73690110-G-A.
Other names: c.*4113G>A (NM_007318.3).
Identifiers: ClinVar variation 885730 (VCV000885730.4), dbSNP rs190718487, ClinGen allele CA262622695.

ClinVar aggregate classification (germline): Conflicting classifications of pathogenicity. Review status: criteria provided, conflicting classifications (1 of 4 stars). 2 submissions from 1 submitter: Uncertain significance (1); Likely benign (1). Last evaluated 2018-01-12.

Conditions:
Dilated cardiomyopathy 1U. Identifiers: Orphanet 154, MedGen C3160720, MONDO:0013371, OMIM 613694.
Alzheimer disease 3 (AD3). Also called: ALZHEIMER DISEASE, FAMILIAL, 3. Identifiers: Orphanet 1020, MedGen C1843013, MONDO:0011913, OMIM 607822.

Allele frequency attached by ClinVar (database versions not stated): 1000 Genomes Project 0.00060; 1000 Genomes Project 30x 0.00109; gnomAD 0.00120 and 0.00125; TOPMed 0.00138.

Submissions (2):

Illumina Laboratory Services, Illumina
Classification: Likely benign for Alzheimer disease 3. Last evaluated: 2018-01-12. Review status: criteria provided, single submitter. Criteria: ICSL Variant Classification Criteria 13 December 2019. Collection method: clinical testing. Allele origin: germline.
Comment: This variant was observed in the ICSL laboratory as part of a predisposition screen in an ostensibly healthy population. It had not been previously curated by ICSL or reported in the Human Gene Mutation Database (HGMD: prior to June 1st, 2018), and was therefore a candidate for classification through an automated scoring system. Utilizing variant allele frequency, disease prevalence and penetrance estimates, and inheritance mode, an automated score was calculated to assess if this variant is too frequent to cause the disease. Based on the score and internal cut-off values, a variant classified as likely benign is not then subjected to further curation. The score for this variant resulted in a classification of likely benign for this disease.

Illumina Laboratory Services, Illumina
Classification: Uncertain significance for Dilated cardiomyopathy 1U. Last evaluated: 2018-01-12. Review status: criteria provided, single submitter. Criteria: ICSL Variant Classification Criteria 13 December 2019. Collection method: clinical testing. Allele origin: germline.